The following is an entry in ClinVar:

NM_144701.3(IL23R):c.1215del (p.Asn405fs)

Gene: IL23R (interleukin 23 receptor; plus strand). Cytogenetic location: 1p31.3.
Variant type: Deletion.
Coding change: c.1215del on transcript NM_144701.3 (MANE Select); coding-DNA position 1215, one base deleted (C; older notation c.1215delC).
Protein change: p.Asn405fs; shifts the reading frame from asparagine 405.
Molecular consequence: frameshift variant.
Genome position (GRCh38, 1-based): chr1:67,255,903, C deleted. VCF-style (leftmost placement, unchanged base first): chr1-67255902-AC-A. GRCh37 (hg19) VCF-style: chr1-67721585-AC-A.
Other names: short protein forms N405fs.
Identifiers: ClinVar variation 2100102 (VCV002100102.4), dbSNP rs2525551367, ClinGen allele CA2580063187.

ClinVar aggregate classification (germline): Uncertain significance (1 of 4 stars; one submission).

Submission:

Labcorp Genetics (formerly Invitae), Labcorp
Classification: Uncertain significance. Last evaluated: 2022-11-28. Review status: criteria provided, single submitter. Criteria: Invitae Variant Classification Sherloc (09022015). Collection method: clinical testing. Allele origin: germline.
Comment: This sequence change creates a premature translational stop signal (p.Asn405Lysfs*5) in the IL23R gene. While this is not anticipated to result in nonsense mediated decay, it is expected to disrupt the last 225 amino acid(s) of the IL23R protein. This variant is not present in population databases (gnomAD no frequency). This variant has not been reported in the literature in individuals affected with IL23R-related conditions. Algorithms developed to predict the effect of sequence changes on RNA splicing suggest that this variant may disrupt the consensus splice site. In summary, the available evidence is currently insufficient to determine the role of this variant in disease. Therefore, it has been classified as a Variant of Uncertain Significance.